The following is an entry in ClinVar:

ClinVar aggregate classification (germline): Likely benign (1 of 4 stars; one submission).

gnomAD v4.1: 2,990 of 1,604,212 alleles (0.19%); highest among the groups gnomAD compares: East Asian, 0.66%; 7 homozygotes.

Submission:

CeGaT Center for Human Genetics Tuebingen
Classification: Likely benign. Last evaluated: 2025-02-01. Review status: criteria provided, single submitter. Criteria: CeGaT Center For Human Genetics Tuebingen Variant Classification Criteria Version 2. Collection method: clinical testing. Allele origin: germline. Affected: yes. Observed: 2 variant alleles.
Comment: HYDIN: BP4, BS2

NM_001270974.2(HYDIN):c.13538G>A (p.Arg4513His)

Gene: HYDIN (HYDIN axonemal central pair apparatus protein; minus strand). Cytogenetic location: 16q22.2.
Variant type: single nucleotide variant.
Coding change: c.13538G>A on transcript NM_001270974.2 (MANE Select); coding-DNA position 13538, G replaced by A.
Protein change: p.Arg4513His; replaces arginine 4513 with histidine.
Molecular consequence: missense variant.
Genome position (GRCh38, 1-based): chr16:70,834,028, C>T on the plus strand (G>A on the coding strand, the complement: HYDIN is on the minus strand). VCF-style: chr16-70834028-C-T. GRCh37 (hg19) VCF-style: chr16-70867931-C-T.
Other names: short protein forms R4513H.
Identifiers: ClinVar variation 3770809 (VCV003770809.13).